The following is an entry in ClinVar:

ClinVar aggregate classification (germline): Uncertain significance (1 of 4 stars; one submission).

Conditions:
Hajdu-Cheney syndrome (HJCYS). Also called: SERPENTINE FIBULA-POLYCYSTIC KIDNEY SYNDROME; Acroosteolysis dominant type; ACROOSTEOLYSIS WITH OSTEOPOROSIS AND CHANGES IN SKULL AND MANDIBLE. Identifiers: Orphanet 955, MedGen C0917715, MONDO:0007057, OMIM 102500.

Submission:

Labcorp Genetics (formerly Invitae), Labcorp
Classification: Uncertain significance for Hajdu-Cheney syndrome. Last evaluated: 2025-11-21. Review status: criteria provided, single submitter. Criteria: Invitae Variant Classification Sherloc (09022015). Collection method: clinical testing. Allele origin: germline.
Comment: This sequence change replaces valine, which is neutral and non-polar, with methionine, which is neutral and non-polar, at codon 489 of the NOTCH2 protein (p.Val489Met). This variant is not present in population databases (gnomAD no frequency). This variant has not been reported in the literature in individuals affected with NOTCH2-related conditions. ClinVar contains an entry for this variant (Variation ID: 2015315). Invitae Evidence Modeling of protein sequence and biophysical properties (such as structural, functional, and spatial information, amino acid conservation, physicochemical variation, residue mobility, and thermodynamic stability) indicates that this missense variant is not expected to disrupt NOTCH2 protein function with a negative predictive value of 95%. In summary, the available evidence is currently insufficient to determine the role of this variant in disease. Therefore, it has been classified as a Variant of Uncertain Significance.

NM_024408.4(NOTCH2):c.1465G>A (p.Val489Met)

Gene: NOTCH2 (notch receptor 2; minus strand). Cytogenetic location: 1p12.
Variant type: single nucleotide variant.
Coding change: c.1465G>A on transcript NM_024408.4 (MANE Select); coding-DNA position 1465, G replaced by A.
Protein change: p.Val489Met; replaces valine 489 with methionine.
Molecular consequence: missense variant.
Genome position (GRCh38, 1-based): chr1:119,966,478, C>T on the plus strand (G>A on the coding strand, the complement: NOTCH2 is on the minus strand). VCF-style: chr1-119966478-C-T. GRCh37 (hg19) VCF-style: chr1-120509101-C-T.
Other names: c.1465G>A, p.Val489Met (NM_001200001.2); short protein forms V489M.
Identifiers: ClinVar variation 2015315 (VCV002015315.4), dbSNP rs1553199690, ClinGen allele CA341877061.
Genomic context (GRCh38, chr1:119,966,478, plus strand): 5'-ACTGCCCATTGTTCACACAAGGGTTGCTCTGACATTCATTTATTTCTAATTCACAATGCA[C>T]ACCTTTGAAACCTAAACAAAACAGACCACACAAGTGGCTTAAAGAGAGAGAAAGGTGTAT-3'
Protein context (NP_077719.2, residues 479-499): TCLCMPGFKG[Val489Met]HCELEINECQ